The following is an entry in ClinVar:

NM_020919.4(ALS2):c.1855A>G (p.Arg619Gly)

Gene: ALS2 (alsin Rho guanine nucleotide exchange factor ALS2; minus strand). Cytogenetic location: 2q33.1.
Variant type: single nucleotide variant.
Coding change: c.1855A>G on transcript NM_020919.4 (MANE Select); coding-DNA position 1855, A replaced by G.
Protein change: p.Arg619Gly; replaces arginine 619 with glycine.
Molecular consequence: missense variant.
Genome position (GRCh38, 1-based): chr2:201,746,709, T>C on the plus strand (A>G on the coding strand, the complement: ALS2 is on the minus strand). VCF-style: chr2-201746709-T-C. GRCh37 (hg19) VCF-style: chr2-202611432-T-C.
Other names: short protein forms R619G.
Identifiers: ClinVar variation 1344334 (VCV001344334.5), dbSNP rs773125812, ClinGen allele CA2058330.

ClinVar aggregate classification (germline): Uncertain significance. Review status: criteria provided, multiple submitters, no conflicts (2 of 4 stars). 2 submissions from 2 submitters: Uncertain significance (2). Last evaluated 2022-04-18.

Conditions:
Hereditary spastic paraplegia. Also called: Familial spastic paraparesis. Identifiers: Orphanet 685, MedGen C0037773, MONDO:0019064. Disease mechanism: loss of function.
Infantile-onset ascending hereditary spastic paralysis (IAHSP). Also called: Autosomal Recessive Juvenile Amyotrophic Lateral Sclerosis; Infantile-Onset Ascending Hereditary Spastic Paralysis (IAHSP). Identifiers: Orphanet 293168, MedGen C2931441, MONDO:0011797, OMIM 607225. Disease mechanism: loss of function.

Allele frequency attached by ClinVar (database versions not stated): gnomAD exomes below 0.00001 and 0.00001; ExAC 0.00001.
gnomAD v4.1: 20 of 1,614,174 alleles (0.0012%); highest among the groups gnomAD compares: Non-Finnish European, 0.0017%; no homozygotes.

Submissions (2):

Labcorp Genetics (formerly Invitae), Labcorp
Classification: Uncertain significance for Infantile-onset ascending hereditary spastic paralysis. Last evaluated: 2022-04-18. Review status: criteria provided, single submitter. Criteria: Invitae Variant Classification Sherloc (09022015). Collection method: clinical testing. Allele origin: germline.
Comment: This sequence change replaces arginine, which is basic and polar, with glycine, which is neutral and non-polar, at codon 619 of the ALS2 protein (p.Arg619Gly). This variant is present in population databases (rs773125812, gnomAD 0.0009%). This variant has not been reported in the literature in individuals affected with ALS2-related conditions. ClinVar contains an entry for this variant (Variation ID: 1344334). Algorithms developed to predict the effect of missense changes on protein structure and function (SIFT, PolyPhen-2, Align-GVGD) all suggest that this variant is likely to be tolerated. Algorithms developed to predict the effect of sequence changes on RNA splicing suggest that this variant may create or strengthen a splice site. In summary, the available evidence is currently insufficient to determine the role of this variant in disease. Therefore, it has been classified as a Variant of Uncertain Significance.

Genome Diagnostics Laboratory, The Hospital for Sick Children
Classification: Uncertain significance for Hereditary spastic paraplegia. Last evaluated: 2018-07-01. Review status: criteria provided, single submitter. Criteria: ACMG Guidelines, 2015. Collection method: clinical testing. Allele origin: germline. Affected: yes.